The following is an entry in ClinVar:

NM_001202.6(BMP4):c.1026C>G (p.Pro342=)

Gene: BMP4 (bone morphogenetic protein 4; minus strand). Cytogenetic location: 14q22.2.
Variant type: single nucleotide variant.
Coding change: c.1026C>G on transcript NM_001202.6 (MANE Select); coding-DNA position 1026, C replaced by G.
Protein change: p.Pro342=; no amino-acid change (proline 342 retained).
Molecular consequence: synonymous variant.
Genome position (GRCh38, 1-based): chr14:53,950,233, G>C on the plus strand (C>G on the coding strand, the complement: BMP4 is on the minus strand). VCF-style: chr14-53950233-G-C. GRCh37 (hg19) VCF-style: chr14-54416951-G-C.
Other names: c.1167C>G, p.Pro389= (NM_001347912.1); c.837C>G, p.Pro279= (NM_001347913.2, NM_001347915.2, NM_001347917.1); c.1026C>G, p.Pro342= (NM_001347914.2, NM_001347916.1, NM_130850.5 and 1 more transcripts).
Identifiers: ClinVar variation 3049473 (VCV003049473.2), dbSNP rs752087708, ClinGen allele CA7191636.

ClinVar aggregate classification (germline): Likely benign (0 of 4 stars; one submission).

Conditions:
BMP4-related disorder. Also called: BMP4-related condition.

Allele frequency attached by ClinVar (database versions not stated): gnomAD 0.00001; gnomAD exomes 0.00001; TOPMed 0.00003; ExAC 0.00006.
gnomAD v4.1: 11 of 1,614,150 alleles (0.00068%); highest among the groups gnomAD compares: East Asian, 0.022%; no homozygotes.

Submission:

PreventionGenetics, part of Exact Sciences
Classification: Likely benign for BMP4-related condition. Last evaluated: 2023-12-15. Review status: no assertion criteria provided. Collection method: clinical testing. Allele origin: germline.
Comment: This variant is classified as likely benign based on ACMG/AMP sequence variant interpretation guidelines (Richards et al. 2015 PMID: 25741868, with internal and published modifications).